The following is an entry in ClinVar:

ClinVar aggregate classification (germline): Uncertain significance (1 of 4 stars; one submission).

gnomAD v4.1: 2 of 1,210,622 alleles (0.00017%); highest among the groups gnomAD compares: Non-Finnish European, 0.00022%; no homozygotes.

Submission:

Labcorp Genetics (formerly Invitae), Labcorp
Classification: Uncertain significance. Last evaluated: 2024-03-03. Review status: criteria provided, single submitter. Criteria: Invitae Variant Classification Sherloc (09022015). Collection method: clinical testing. Allele origin: germline.
Comment: This sequence change replaces histidine, which is basic and polar, with glutamine, which is neutral and polar, at codon 635 of the OPHN1 protein (p.His635Gln). This variant is not present in population databases (gnomAD no frequency). This variant has not been reported in the literature in individuals affected with OPHN1-related conditions. An algorithm developed to predict the effect of missense changes on protein structure and function (PolyPhen-2) suggests that this variant is likely to be tolerated. In summary, the available evidence is currently insufficient to determine the role of this variant in disease. Therefore, it has been classified as a Variant of Uncertain Significance.

NM_002547.3(OPHN1):c.1905C>A (p.His635Gln)

Gene: OPHN1 (oligophrenin 1; minus strand). Cytogenetic location: Xq12.
Variant type: single nucleotide variant.
Coding change: c.1905C>A on transcript NM_002547.3 (MANE Select); coding-DNA position 1905, C replaced by A.
Protein change: p.His635Gln; replaces histidine 635 with glutamine.
Molecular consequence: missense variant.
Genome position (GRCh38, 1-based): chrX:68,064,107, G>T on the plus strand (C>A on the coding strand, the complement: OPHN1 is on the minus strand). VCF-style: chrX-68064107-G-T. GRCh37 (hg19) VCF-style: chrX-67283949-G-T.
Other names: short protein forms H635Q.
Identifiers: ClinVar variation 3679652 (VCV003679652.2).